The following is an entry in ClinVar:

ClinVar aggregate classification (germline): Uncertain significance (1 of 4 stars; one submission).

Conditions:
Immunodeficiency 39 (IMD39). Identifiers: Orphanet 574918, MedGen C4225358, MONDO:0014597, OMIM 616345.

Submission:

Labcorp Genetics (formerly Invitae), Labcorp
Classification: Uncertain significance for Immunodeficiency 39. Last evaluated: 2025-12-08. Review status: criteria provided, single submitter. Criteria: Invitae Variant Classification Sherloc (09022015). Collection method: clinical testing. Allele origin: germline.
Comment: This sequence change creates a premature translational stop signal (p.Pro274Argfs*140) in the IRF7 gene. It is expected to result in an absent or disrupted protein product. However, the current clinical and genetic evidence is not sufficient to establish whether loss-of-function variants in IRF7 cause disease. This variant is not present in population databases (gnomAD no frequency). This variant has not been reported in the literature in individuals affected with IRF7-related conditions. In summary, the available evidence is currently insufficient to determine the role of this variant in disease. Therefore, it has been classified as a Variant of Uncertain Significance.

NM_001572.5(IRF7):c.782_783del (p.Pro261fs)

Gene: IRF7 (interferon regulatory factor 7; minus strand). Cytogenetic location: 11p15.5.
Variant type: Deletion.
Coding change: c.782_783del on transcript NM_001572.5 (MANE Select); coding-DNA positions 782 to 783, 2 bases deleted (CA; older notation c.782_783delCA).
Protein change: p.Pro261fs; shifts the reading frame from proline 261.
Molecular consequence: frameshift variant.
Genome position (GRCh38, 1-based): chr11:613,849-613,850, TG deleted on the plus strand (CA on the coding strand, the reverse complement: IRF7 is on the minus strand). VCF-style (leftmost placement, unchanged base first): chr11-613848-CTG-C. GRCh37 (hg19) VCF-style: chr11-613848-CTG-C.
Other names: c.818_819del, p.Pro273fs (NM_001440440.1); c.779_780del, p.Pro260fs (NM_001440442.1); c.734_735del, p.Pro245fs (NM_001440444.1); c.692_693del, p.Pro231fs (NM_001440445.1); c.410_411del, p.Pro137fs (NM_001440446.1); c.695_696del, p.Pro232fs (NM_004029.4); c.821_822del, p.Pro274fs (NM_004031.4); short protein forms P137fs, P231fs, P232fs, P245fs, P260fs, P261fs, P273fs, P274fs.
Identifiers: ClinVar variation 4808775 (VCV004808775.1).